The following is an entry in ClinVar:

ClinVar aggregate classification (germline): Conflicting classifications of pathogenicity. Review status: criteria provided, conflicting classifications (1 of 4 stars). 2 submissions from 2 submitters: Likely pathogenic (1); Uncertain significance (1). Last evaluated 2024-01-16.

Conditions:
GLUT1 deficiency syndrome 1, autosomal recessive. Identifiers: MedGen C3149117.

Submissions (2):

GeneDx
Classification: Likely pathogenic. Last evaluated: 2024-01-16. Review status: criteria provided, single submitter. Criteria: GeneDx Variant Classification Process June 2021. Collection method: clinical testing. Allele origin: germline. Affected: yes.
Comment: Not observed at significant frequency in large population cohorts (gnomAD); In silico analysis supports that this missense variant does not alter protein structure/function; Has not been previously published as pathogenic or benign to our knowledge

Labcorp Genetics (formerly Invitae), Labcorp
Classification: Uncertain significance for GLUT1 deficiency syndrome 1, autosomal recessive. Last evaluated: 2022-12-15. Review status: criteria provided, single submitter. Criteria: Invitae Variant Classification Sherloc (09022015). Collection method: clinical testing. Allele origin: germline.
Comment: In summary, the available evidence is currently insufficient to determine the role of this variant in disease. Therefore, it has been classified as a Variant of Uncertain Significance. Algorithms developed to predict the effect of missense changes on protein structure and function (SIFT, PolyPhen-2, Align-GVGD) all suggest that this variant is likely to be tolerated. ClinVar contains an entry for this variant (Variation ID: 280423). This variant has not been reported in the literature in individuals affected with SLC2A1-related conditions. This variant is not present in population databases (gnomAD no frequency). This sequence change replaces serine, which is neutral and polar, with proline, which is neutral and non-polar, at codon 313 of the SLC2A1 protein (p.Ser313Pro).

NM_006516.4(SLC2A1):c.937T>C (p.Ser313Pro)

Gene: SLC2A1 (solute carrier family 2 member 1; minus strand). Cytogenetic location: 1p34.2.
Variant type: single nucleotide variant.
Coding change: c.937T>C on transcript NM_006516.4 (MANE Select); coding-DNA position 937, T replaced by C.
Protein change: p.Ser313Pro; replaces serine 313 with proline.
Molecular consequence: missense variant.
Genome position (GRCh38, 1-based): chr1:42,929,245, A>G on the plus strand (T>C on the coding strand, the complement: SLC2A1 is on the minus strand). VCF-style: chr1-42929245-A-G. GRCh37 (hg19) VCF-style: chr1-43394916-A-G.
Other names: short protein forms S313P.
Identifiers: ClinVar variation 280423 (VCV000280423.6), dbSNP rs886041633, ClinGen allele CA10602779.